The following is an entry in ClinVar:

NM_002528.7(NTHL1):c.382C>T (p.Leu128=)

Gene: NTHL1 (nth like DNA glycosylase 1; minus strand). Cytogenetic location: 16p13.3.
Variant type: single nucleotide variant.
Coding change: c.382C>T on transcript NM_002528.7 (MANE Select); coding-DNA position 382, C replaced by T.
Protein change: p.Leu128=; no amino-acid change (leucine 128 retained).
Molecular consequence: synonymous variant. On other transcripts: intron variant (1).
Genome position (GRCh38, 1-based): chr16:2,044,773, G>A on the plus strand (C>T on the coding strand, the complement: NTHL1 is on the minus strand). VCF-style: chr16-2044773-G-A. GRCh37 (hg19) VCF-style: chr16-2094774-G-A.
Other names: c.52C>T, p.Leu18= (NM_001318194.2); c.355-1047C>T (NM_001318193.2).
Identifiers: ClinVar variation 1737533 (VCV001737533.3), dbSNP rs1433716256, ClinGen allele CA492953004.

ClinVar aggregate classification (germline): Uncertain significance. Review status: criteria provided, multiple submitters, no conflicts (2 of 4 stars). 2 submissions from 2 submitters: Uncertain significance (2). Last evaluated 2024-03-15.

Conditions:
Hereditary cancer-predisposing syndrome. Also called: Neoplastic Syndromes, Hereditary; Tumor predisposition; Hereditary Cancer Syndrome; Hereditary neoplastic syndrome. Identifiers: Orphanet 140162, MedGen C0027672, MeSH D009386, MONDO:0015356.

Submissions (2):

GeneDx
Classification: Uncertain significance. Last evaluated: 2024-03-15. Review status: criteria provided, single submitter. Criteria: GeneDx Variant Classification Process June 2021. Collection method: clinical testing. Allele origin: germline. Affected: yes.
Comment: Not observed at significant frequency in large population cohorts (gnomAD); In silico analysis supports that this variant does not alter splicing; Has not been previously published as pathogenic or benign to our knowledge

Ambry Genetics
Classification: Uncertain significance for Hereditary cancer-predisposing syndrome. Last evaluated: 2022-02-21. Review status: criteria provided, single submitter. Criteria: Ambry Variant Classification Scheme 2023. Collection method: clinical testing. Allele origin: germline.
Comment: The c.406C>T variant (also known as p.L136L), located in coding exon 3 of the NTHL1 gene, results from a C to T substitution at nucleotide position 406. This nucleotide substitution does not change the at codon 136. This nucleotide position is well conserved in available vertebrate species. In silico splice site analysis for this alteration is inconclusive. Since supporting evidence is limited at this time, the clinical significance of this alteration remains unclear.